The following is an entry in ClinVar:

ClinVar aggregate classification (germline): Likely pathogenic. Review status: criteria provided, multiple submitters, no conflicts (2 of 4 stars). 2 submissions from 2 submitters: Likely pathogenic (2). Last evaluated 2025-06-15.

Conditions:
Episodic ataxia type 2 (EA2). Also called: ACETAZOLAMIDE-RESPONSIVE HEREDITARY PAROXYSMAL CEREBELLAR ATAXIA; ATAXIA, EPISODIC, WITH NYSTAGMUS; ATAXIA, FAMILIAL PAROXYSMAL; CEREBELLAR ATAXIA, PAROXYSMAL, ACETAZOLAMIDE-RESPONSIVE; CEREBELLOPATHY, HEREDITARY PAROXYSMAL; EPISODIC ATAXIA, NYSTAGMUS-ASSOCIATED. Identifiers: Orphanet 97, MedGen C1720416, MONDO:0007163, OMIM 108500.
Developmental and epileptic encephalopathy, 42 (DEE42A). Also called: DEVELOPMENTAL AND EPILEPTIC ENCEPHALOPATHY 42A; EPILEPTIC ENCEPHALOPATHY, EARLY INFANTILE, 42A; Epileptic encephalopathy, early infantile, 42. Identifiers: MedGen C4310716, MONDO:0014917, OMIM 617106.

Submissions (2):

Labcorp Genetics (formerly Invitae), Labcorp
Classification: Likely pathogenic for Developmental and epileptic encephalopathy, 42; Episodic ataxia type 2. Last evaluated: 2025-06-15. Review status: criteria provided, single submitter. Criteria: Invitae Variant Classification Sherloc (09022015). Collection method: clinical testing. Allele origin: germline.
Comment: This sequence change replaces aspartic acid, which is acidic and polar, with histidine, which is basic and polar, at codon 302 of the CACNA1A protein (p.Asp302His). This variant is not present in population databases (gnomAD no frequency). This variant has not been reported in the literature in individuals affected with CACNA1A-related conditions. ClinVar contains an entry for this variant (Variation ID: 1678774). Invitae Evidence Modeling of protein sequence and biophysical properties (such as structural, functional, and spatial information, amino acid conservation, physicochemical variation, residue mobility, and thermodynamic stability) indicates that this missense variant is expected to disrupt CACNA1A protein function with a positive predictive value of 95%. This variant disrupts the p.Asp302 amino acid residue in CACNA1A. Other variant(s) that disrupt this residue have been determined to be pathogenic (PMID: 24486772, 25326637, 27066515, 27871455). This suggests that this residue is clinically significant, and that variants that disrupt this residue are likely to be disease-causing. In summary, the currently available evidence indicates that the variant is pathogenic, but additional data are needed to prove that conclusively. Therefore, this variant has been classified as Likely Pathogenic.

GeneDx
Classification: Likely pathogenic. Last evaluated: 2025-05-09. Review status: criteria provided, single submitter. Criteria: GeneDx Variant Classification Process June 2021. Collection method: clinical testing. Allele origin: germline. Affected: yes.
Comment: Not observed at significant frequency in large population cohorts (gnomAD); In silico analysis supports that this missense variant has a deleterious effect on protein structure/function; Has not been previously published as pathogenic or benign to our knowledge

Literature cited by the submitters: PubMed 24486772 (cited by Labcorp Genetics (formerly Invitae), Labcorp); PubMed 25326637 (cited by Labcorp Genetics (formerly Invitae), Labcorp); PubMed 27066515 (cited by Labcorp Genetics (formerly Invitae), Labcorp); PubMed 27871455 (cited by Labcorp Genetics (formerly Invitae), Labcorp).

NM_001127222.2(CACNA1A):c.904G>C (p.Asp302His)

Gene: CACNA1A (calcium voltage-gated channel subunit alpha1 A; minus strand). Cytogenetic location: 19p13.13.
Variant type: single nucleotide variant.
Coding change: c.904G>C on transcript NM_001127222.2 (MANE Select); coding-DNA position 904, G replaced by C.
Protein change: p.Asp302His; replaces aspartic acid 302 with histidine.
Molecular consequence: missense variant.
Genome position (GRCh38, 1-based): chr19:13,359,680, C>G on the plus strand (G>C on the coding strand, the complement: CACNA1A is on the minus strand). VCF-style: chr19-13359680-C-G. GRCh37 (hg19) VCF-style: chr19-13470494-C-G.
Other names: c.904G>C, p.Asp302His (NM_000068.4, NM_001127221.2, NM_001174080.2 and 1 more transcripts); short protein forms D302H.
Identifiers: ClinVar variation 1678774 (VCV001678774.6), dbSNP rs863224852, ClinGen allele CA404347137.
Genomic context (GRCh38, chr19:13,359,680, plus strand): 5'-CAGTCCACCCTTCCATGGTTATGCACTGGAAAACAGTCAGCACTGCAAACAGGATGTTGT[C>G]GAACTGAGTGATCCCGTTGTTGGGCCCTTCCCAGTAGGGCTGACATTTGGTCCCATTGGG-3'
Protein context (NP_001120694.1, residues 292-312): EGPNNGITQF[Asp302His]NILFAVLTVF